The following is an entry in ClinVar:

ClinVar aggregate classification (germline): Likely pathogenic (1 of 4 stars; one submission).

Conditions:
BAP1-related tumor predisposition syndrome (TPDS1). Also called: TUMOR PREDISPOSITION SYNDROME 1; COMMON Syndrome; Tumor susceptibility linked to germline BAP1 mutations; BAP1 tumor predisposition syndrome. Identifiers: Orphanet 289539, MedGen C3280492, MONDO:0013692, OMIM 614327.

Submission:

Myriad Genetics, Inc.
Classification: Likely pathogenic for BAP1-related tumor predisposition syndrome. Last evaluated: 2023-12-06. Review status: criteria provided, single submitter. Criteria: Myriad Autosomal Dominant, Autosomal Recessive and X-Linked Classification Criteria (2023). Collection method: clinical testing. Allele origin: unknown.
Comment: This variant is considered likely pathogenic. This variant occurs within a consensus splice junction and is predicted to result in abnormal mRNA splicing of either an out-of-frame exon or an in-frame exon necessary for protein stability and/or normal function.

NM_004656.4(BAP1):c.122+1del

Gene: BAP1 (BRCA1 associated deubiquitinase 1; minus strand). Cytogenetic location: 3p21.1.
Variant type: Deletion.
Coding change: c.122+1del on transcript NM_004656.4 (MANE Select); the canonical splice donor site of the intron after coding-DNA position 122, one base deleted (G; older notation c.122+1delG).
Molecular consequence: splice donor variant.
Genome position (GRCh38, 1-based): chr3:52,409,553, C deleted on the plus strand (G on the coding strand, the reverse complement: BAP1 is on the minus strand); the first of 4 consecutive C bases (chr3:52,409,553-52,409,556); deleting any one gives the same sequence. VCF-style (leftmost placement, unchanged base first): chr3-52409552-AC-A. GRCh37 (hg19) VCF-style: chr3-52443568-AC-A.
Other names: c.122+1del (NM_001410772.1).
Identifiers: ClinVar variation 2674018 (VCV002674018.1), dbSNP rs2471363943, ClinGen allele CA645530027.